The following is an entry in ClinVar:

ClinVar aggregate classification (germline): Uncertain significance (1 of 4 stars; one submission).

Conditions:
Intellectual developmental disorder with microcephaly and with or without ocular malformations or hypogonadotropic hypogonadism. Also called: Coffin-Siris Syndrome 9; Intellectual disability, autosomal dominant 27. Identifiers: Orphanet 1465, MedGen C4014528, MONDO:0014376, OMIM 615866.

Submission:

Juno Genomics, Hangzhou Juno Genomics, Inc
Classification: Uncertain significance for Intellectual developmental disorder with microcephaly and with or without ocular malformations or hypogonadotropic hypogonadism. Review status: criteria provided, single submitter. Criteria: ACMG Guidelines, 2015. Collection method: clinical testing. Allele origin: germline.
Comment: Null variant in a gene where loss of function (LOF) is a known mechanism of disease.;Absent from controls (or at extremely low frequency if recessive) in Genome Aggregation Database.

NM_003108.4(SOX11):c.49G>T (p.Glu17Ter)

Gene: SOX11 (SRY-box transcription factor 11; plus strand). Cytogenetic location: 2p25.2.
Variant type: single nucleotide variant.
Coding change: c.49G>T on transcript NM_003108.4 (MANE Select); coding-DNA position 49, G replaced by T.
Protein change: p.Glu17Ter; replaces glutamic acid 17 with a stop codon.
Molecular consequence: nonsense.
Genome position (GRCh38, 1-based): chr2:5,692,770, G>T. VCF-style: chr2-5692770-G-T. GRCh37 (hg19) VCF-style: chr2-5832902-G-T.
Other names: short protein forms E17*.
Identifiers: ClinVar variation 5006310 (VCV005006310.2).